The following is an entry in ClinVar:

ClinVar aggregate classification (germline): Benign/Likely benign. Review status: criteria provided, multiple submitters, no conflicts (2 of 4 stars). 8 submissions from 8 submitters: Benign (2); Likely benign (3). 3 of the submissions do not count toward it. Last evaluated 2026-09-01.

Conditions:
PTPRQ-related disorder. Also called: PTPRQ-related condition.
Hearing loss, autosomal recessive. Also called: Nonsyndromic Hearing Loss, Recessive; Autosomal recessive nonsyndromic deafness; Deafness, autosomal recessive; Rare autosomal recessive non-syndromic sensorineural deafness type DFNB. Identifiers: Orphanet 90635, Orphanet 90636, MedGen C1846647, MONDO:0019588, OMIM 607197.
Hearing impairment. Also called: Impaired Hearing. Identifiers: MedGen C1384666, MONDO:0005365, HP:0000365.

Submissions (8):

CeGaT Center for Human Genetics Tuebingen
Classification: Likely benign. Last evaluated: 2026-09-01. Review status: criteria provided, single submitter. Criteria: CeGaT Center For Human Genetics Tuebingen Variant Classification Criteria Version 2. Collection method: clinical testing. Allele origin: germline. Affected: yes. Observed: 4 variant alleles.
Comment: PTPRQ: PM4, BS1

Blueprint Genetics
Classification: Likely benign. Last evaluated: 2024-11-26. Review status: criteria provided, single submitter. Criteria: ACMG Guidelines, 2015. Collection method: clinical testing. Allele origin: germline.

Department of Pathology and Laboratory Medicine, Sinai Health System
Classification: Likely benign for hearing loss, autosomal recessive. Last evaluated: 2022-05-09. Review status: criteria provided, single submitter. Criteria: ACMG Guidelines, 2015. Collection method: research. Allele origin: germline.

Department of Otolaryngology – Head & Neck Surgery, Cochlear Implant Center
Classification: Benign for Hearing impairment. Last evaluated: 2021-04-12. Review status: criteria provided, single submitter. Criteria: ClinGen HL ACMG Specifications v1. Collection method: clinical testing. Allele origin: germline. Affected: yes.
Comment: PM4_Moderate, PP3_Supporting, BS1_Strong, BS2_Strong

GeneDx
Classification: Benign. Last evaluated: 2020-10-22. Review status: criteria provided, single submitter. Criteria: GeneDx Variant Classification Process June 2021. Collection method: clinical testing. Allele origin: germline. Affected: yes.

PreventionGenetics, part of Exact Sciences
Classification: Likely benign for PTPRQ-related condition. Last evaluated: 2021-06-09. Review status: no assertion criteria provided. Collection method: clinical testing. Allele origin: germline. Not counted in ClinVar's aggregate classification.
Comment: This variant is classified as likely benign based on ACMG/AMP sequence variant interpretation guidelines (Richards et al. 2015 PMID: 25741868, with internal and published modifications).

Clinical Genetics DNA and cytogenetics Diagnostics Lab, Erasmus MC, Erasmus Medical Center
Classification: Likely benign. Review status: no assertion criteria provided. Collection method: clinical testing. Allele origin: germline. Affected: yes. Study: VKGL Data-share Consensus. Not counted in ClinVar's aggregate classification.

Joint Genome Diagnostic Labs from Nijmegen and Maastricht, Radboudumc and MUMC+
Classification: Likely benign. Review status: no assertion criteria provided. Collection method: clinical testing. Allele origin: germline. Affected: yes. Study: VKGL Data-share Consensus. Not counted in ClinVar's aggregate classification.

NM_001145026.2(PTPRQ):c.147_158del (p.Thr51_Thr54del)

Gene: PTPRQ (protein tyrosine phosphatase receptor type Q; plus strand). Cytogenetic location: 12q21.31.
Variant type: Deletion.
Coding change: c.147_158del on transcript NM_001145026.2 (MANE Select); coding-DNA positions 147 to 158, 12 bases deleted (GACAACAAATGT).
Protein change: p.Thr51_Thr54del.
Molecular consequence: inframe deletion.
Genome position (GRCh38, 1-based): chr12:80,444,833-80,444,844, GACAACAAATGT deleted; deleting any 12 consecutive bases within chr12:80,444,831-80,444,844 gives the same sequence; the c. name uses the placement nearest the transcript's 3' end. VCF-style (leftmost placement, unchanged base first): chr12-80444830-AGTGACAACAAAT-A. GRCh37 (hg19) VCF-style: chr12-80838610-AGTGACAACAAAT-A.
Other names: c.147_158del12 (NM_001145026.1); c.147_158del (NM_001145026.1).
Identifiers: ClinVar variation 669399 (VCV000669399.25), dbSNP rs368946018, ClinGen allele CA6702296.